The following is an entry in ClinVar:

NM_018180.3(DHX32):c.444C>G (p.Phe148Leu)

Gene: DHX32 (DEAH-box helicase 32 (putative); minus strand). Cytogenetic location: 10q26.2.
Variant type: single nucleotide variant.
Coding change: c.444C>G on transcript NM_018180.3 (MANE Select); coding-DNA position 444, C replaced by G.
Protein change: p.Phe148Leu; replaces phenylalanine 148 with leucine.
Molecular consequence: missense variant.
Genome position (GRCh38, 1-based): chr10:125,867,022, G>C on the plus strand (C>G on the coding strand, the complement: DHX32 is on the minus strand). VCF-style: chr10-125867022-G-C. GRCh37 (hg19) VCF-style: chr10-127555591-G-C.
Other names: short protein forms F148L.
Identifiers: ClinVar variation 1968940 (VCV001968940.5), dbSNP rs1162636732, ClinGen allele CA378679808.
Genomic context (GRCh38, chr10:125,867,022, plus strand): 5'-GGGAGCGGACTGAACCCCACAAACCAACCTCAGGATTGTTTCGTTGGTACAGCAGTTCTC[G>C]AAAGGGATCACGTAGCCAACCTCATGACCAATGTTAACATCCATTTCATCCGCCACCCGC-3'
Protein context (NP_060650.2, residues 138-158): IGHEVGYVIP[Phe148Leu]ENCCTNETIL

ClinVar aggregate classification (germline): Uncertain significance (1 of 4 stars; one submission).

Submission:

Labcorp Genetics (formerly Invitae), Labcorp
Classification: Uncertain significance. Last evaluated: 2022-07-14. Review status: criteria provided, single submitter. Criteria: Invitae Variant Classification Sherloc (09022015). Collection method: clinical testing. Allele origin: germline.
Comment: In summary, the available evidence is currently insufficient to determine the role of this variant in disease. Therefore, it has been classified as a Variant of Uncertain Significance. This sequence change replaces phenylalanine, which is neutral and non-polar, with leucine, which is neutral and non-polar, at codon 148 of the DHX32 protein (p.Phe148Leu). This variant is not present in population databases (gnomAD no frequency). This variant has not been reported in the literature in individuals affected with DHX32-related conditions. Algorithms developed to predict the effect of missense changes on protein structure and function (SIFT, PolyPhen-2, Align-GVGD) all suggest that this variant is likely to be tolerated.